The following is an entry in ClinVar:

ClinVar aggregate classification (germline): Uncertain significance (1 of 4 stars; one submission).

Submission:

Labcorp Genetics (formerly Invitae), Labcorp
Classification: Uncertain significance. Last evaluated: 2022-06-22. Review status: criteria provided, single submitter. Criteria: Invitae Variant Classification Sherloc (09022015). Collection method: clinical testing. Allele origin: germline.
Comment: In summary, the available evidence is currently insufficient to determine the role of this variant in disease. Therefore, it has been classified as a Variant of Uncertain Significance. Algorithms developed to predict the effect of missense changes on protein structure and function are either unavailable or do not agree on the potential impact of this missense change (SIFT: "Tolerated"; PolyPhen-2: "Not Available"; Align-GVGD: "Class C0"). This variant has not been reported in the literature in individuals affected with PCLO-related conditions. This variant is not present in population databases (gnomAD no frequency). This sequence change replaces phenylalanine, which is neutral and non-polar, with leucine, which is neutral and non-polar, at codon 3928 of the PCLO protein (p.Phe3928Leu).

NM_033026.6(PCLO):c.11784C>A (p.Phe3928Leu)

Gene: PCLO (piccolo presynaptic cytomatrix protein; minus strand). Cytogenetic location: 7q21.11.
Variant type: single nucleotide variant.
Coding change: c.11784C>A on transcript NM_033026.6 (MANE Select); coding-DNA position 11784, C replaced by A.
Protein change: p.Phe3928Leu; replaces phenylalanine 3928 with leucine.
Molecular consequence: missense variant.
Genome position (GRCh38, 1-based): chr7:82,916,202, G>T on the plus strand (C>A on the coding strand, the complement: PCLO is on the minus strand). VCF-style: chr7-82916202-G-T. GRCh37 (hg19) VCF-style: chr7-82545518-G-T.
Other names: c.11784C>A, p.Phe3928Leu (NM_014510.3); short protein forms F3928L.
Identifiers: ClinVar variation 2008910 (VCV002008910.4), dbSNP rs1480683950, ClinGen allele CA367893034.
Genomic context (GRCh38, chr7:82,916,202, plus strand): 5'-AGGCTGTGGGGTTGGTGTAGGTTGAACTTGAGGTGTGAAGGACATTGTTGCCACAGCTTG[G>T]AATGTTGGCTGAGTCTGATAAGGTGAAACTTGCTGATGGTACAAAGTTTGTTGCTCAAAA-3'
Protein context (NP_149015.2, residues 3918-3938): QVSPYQTQPT[Phe3928Leu]QAVATMSFTP